The following is an entry in ClinVar:

NM_007294.4(BRCA1):c.2518A>T (p.Ser840Cys)

Gene: BRCA1 (BRCA1 DNA repair associated; minus strand). Cytogenetic location: 17q21.31.
Variant type: single nucleotide variant.
Coding change: c.2518A>T on transcript NM_007294.4 (MANE Select); coding-DNA position 2518, A replaced by T.
Protein change: p.Ser840Cys; replaces serine 840 with cysteine.
Molecular consequence: missense variant. On other transcripts: intron variant (137).
Genome position (GRCh38, 1-based): chr17:43,093,013, T>A on the plus strand (A>T on the coding strand, the complement: BRCA1 is on the minus strand). VCF-style: chr17-43093013-T-A. GRCh37 (hg19) VCF-style: chr17-41245030-T-A.
Other names: p.S840C:AGT>TGT; 2637A>T; c.2518A>T, p.Ser840Cys (NM_001407621.1, NM_001407622.1, NM_001407623.1 and 30 more transcripts); c.2515A>T, p.Ser839Cys (NM_001407627.1, NM_001407628.1, NM_001407629.1 and 22 more transcripts); c.2509A>T, p.Ser837Cys (NM_001407646.1, NM_001407647.1); c.2305A>T, p.Ser769Cys (NM_001407571.1, NM_001407915.1, NM_001407916.1 and 9 more transcripts); c.2440A>T, p.Ser814Cys (NM_001407653.1, NM_001407654.1, NM_001407655.1 and 4 more transcripts); c.2437A>T, p.Ser813Cys (NM_001407659.1, NM_001407660.1, NM_001407661.1 and 1 more transcripts); and 43 more; short protein forms S840C, S793C, S712C, S713C, S751C, S798C, S813C, S672C.
Identifiers: ClinVar variation 89056 (VCV000089056.31), dbSNP rs377475866, ClinGen allele CA001668.

ClinVar aggregate classification (germline): Conflicting classifications of pathogenicity. Review status: criteria provided, conflicting classifications (1 of 4 stars). 10 submissions from 10 submitters: Uncertain significance (5); Likely benign (3). 2 of the submissions do not count toward it. Last evaluated 2025-10-16.

Conditions:
Hereditary cancer-predisposing syndrome. Also called: Hereditary Cancer Syndrome; Hereditary neoplastic syndrome; Neoplastic Syndromes, Hereditary; Tumor predisposition. Identifiers: Orphanet 140162, MedGen C0027672, MeSH D009386, MONDO:0015356.
Breast-ovarian cancer, familial, susceptibility to, 1 (BROVCA1). Also called: BRCA1 Hereditary Breast and Ovarian Cancer; OVARIAN CANCER, SUSCEPTIBILITY TO. Identifiers: Orphanet 145, MedGen C2676676, MONDO:0011450, OMIM 604370. Disease mechanism: loss of function.
Hereditary breast ovarian cancer syndrome. Also called: BRCA1- and BRCA2-Associated Hereditary Breast and Ovarian Cancer; Hereditary breast and ovarian cancer syndrome; Hereditary breast and ovarian cancer syndrome (HBOC); Breast and ovarian cancer; Hereditary breast and/or ovarian cancer syndrome; Hereditary breast and ovarian cancer. Identifiers: Orphanet 145, MedGen C0677776, MeSH D061325, MONDO:0003582. Disease mechanism: loss of function.

gnomAD v4.1: 14 of 1,613,936 alleles (0.00087%); highest among the groups gnomAD compares: Non-Finnish European, 0.0012%; no homozygotes.

Submissions (10):

Mayo Clinic Laboratories, Mayo Clinic
Classification: Likely benign. Last evaluated: 2025-10-16. Review status: criteria provided, single submitter. Criteria: ACMG Guidelines, 2015. Collection method: clinical testing. Allele origin: germline. Observed: 1 variant allele.
Comment: BP1_strong

Labcorp Genetics (formerly Invitae), Labcorp
Classification: Likely benign for Hereditary breast ovarian cancer syndrome. Last evaluated: 2025-07-07. Review status: criteria provided, single submitter. Criteria: Invitae Variant Classification Sherloc (09022015). Collection method: clinical testing. Allele origin: germline.

Quest Diagnostics Nichols Institute San Juan Capistrano
Classification: Uncertain significance. Last evaluated: 2025-07-02. Review status: criteria provided, single submitter. Criteria: Quest Diagnostics criteria. Collection method: clinical testing. Allele origin: unknown.
Comment: The BRCA1 c.2518A>T (p.Ser840Cys) variant has been reported in the published literature in individuals and families affected with breast and/or ovarian cancer (PMID: 21120943 (2011), 31853058 (2020), 32438681 (2020), 32776218 (2020), 38709234 (2024)). The frequency of this variant in the general population (Genome Aggregation Database) is uninformative in the assessment of its pathogenicity. Analysis of this variant using bioinformatics tools for the prediction of the effect of amino acid changes on protein structure and function yielded conflicting predictions that this variant is benign or damaging. Based on the available information, we are unable to determine the clinical significance of this variant.

Color Diagnostics, LLC DBA Color Health
Classification: Uncertain significance for Hereditary cancer-predisposing syndrome. Last evaluated: 2025-06-30. Review status: criteria provided, single submitter. Criteria: ACMG Guidelines, 2015. Collection method: clinical testing. Allele origin: germline.
Comment: This missense variant replaces serine with cysteine at codon 840 of the BRCA1 protein. Computational prediction suggests that this variant may not impact protein structure and function. To our knowledge, functional studies have not been reported for this variant. This variant has been reported in two individuals with personal and/or family history of breast or ovarian cancer (PMID: 21120943, 32438681). This variant has been identified in 3/251094 chromosomes in the general population by the Genome Aggregation Database (gnomAD). The available evidence is insufficient to determine the role of this variant in disease conclusively. Therefore, this variant is classified as a Variant of Uncertain Significance.

Ambry Genetics
Classification: Uncertain significance for Hereditary cancer-predisposing syndrome. Last evaluated: 2024-11-14. Review status: criteria provided, single submitter. Criteria: Ambry Variant Classification Scheme 2023. Collection method: clinical testing. Allele origin: germline.
Comment: The p.S840C variant (also known as c.2518A>T), located in coding exon 9 of the BRCA1 gene, results from an A to T substitution at nucleotide position 2518. The serine at codon 840 is replaced by cysteine, an amino acid with dissimilar properties. This variant has been observed in breast and/or ovarian cancer cohorts (Caux-Moncoutier V et al. Hum. Mutat., 2011 Mar;32:325-34; Martelotto LG et al. Genome Biol., 2014 Oct;15:484; Santonocito C et al, 2020 May;12). This amino acid position is poorly conserved in available vertebrate species. In addition, this alteration is predicted to be tolerated by in silico analysis. Based on the available evidence, the clinical significance of this variant remains unclear.

All of Us Research Program, National Institutes of Health
Classification: Uncertain significance for Breast-ovarian cancer, familial, susceptibility to, 1. Last evaluated: 2023-12-13. Review status: criteria provided, single submitter. Criteria: ACMG Guidelines, 2015. Collection method: clinical testing. Allele origin: germline. Inheritance: Autosomal dominant inheritance. Observed: 3 variant alleles, 3 heterozygotes.
Comment: This missense variant replaces serine with cysteine at codon 840 of the BRCA1 protein. Computational prediction suggests that this variant may not impact protein structure and function (internally defined REVEL score threshold <= 0.5, PMID: 27666373). To our knowledge, functional studies have not been reported for this variant. This variant has been reported in two individuals with personal and/or family history of breast or ovarian cancer (PMID: 21120943, 32438681). This variant has been identified in 3/251094 chromosomes in the general population by the Genome Aggregation Database (gnomAD). The available evidence is insufficient to determine the role of this variant in disease conclusively. Therefore, this variant is classified as a Variant of Uncertain Significance.

This study involves interpretation of variants in research participants for the purpose of population health screening. Participant phenotype was not available at the time of variant classification. Additional details can be found in publication PMID: 35346344, PMCID: PMC8962531

University of Washington Department of Laboratory Medicine, University of Washington
Classification: Likely benign for Hereditary cancer-predisposing syndrome. Last evaluated: 2023-03-23. Review status: criteria provided, single submitter. Criteria: Dines et al. (Genet Med. 2020). Collection method: curation. Allele origin: germline.
Comment: Missense variant in a coldspot region where missense variants are very unlikely to be pathogenic (PMID:31911673).

BRCA1 coldspot (exon 11 using historical exon numbering). Reclassification based on statistical prior probability

GeneDx
Classification: Uncertain significance. Last evaluated: 2017-05-31. Review status: criteria provided, single submitter. Criteria: GeneDx Variant Classification (06012015). Collection method: clinical testing. Allele origin: germline. Affected: yes.
Comment: This variant is denoted BRCA1 c.2518A>T at the cDNA level, p.Ser840Cys (S840C) at the protein level, and results in the change of a Serine to a Cysteine (AGT>TGT). Using alternate nomenclature, this variant would be defined as BRCA1 2637A>T. This variant has not, to our knowledge, been published in the literature as pathogenic or benign. BRCA1 Ser840Cys was not observed in approximately 6,500 individuals of European and African American ancestry in the NHLBI Exome Sequencing Project, indicating it is not a common benign variant in these populations. Since Serine and Cysteine differ in polarity, charge, size or other properties, this is considered a non-conservative amino acid substitution. BRCA1 Ser840Cys occurs at a position that is not conserved and is located in the DNA binding domain (Narod 2004). In silico analyses are inconsistent regarding the effect this variant may have on protein structure and function. Based on currently available information, it is unclear whether BRCA1 Ser840Cys is pathogenic or benign. We consider it to be a variant of uncertain significance.

Counsyl
Classification: Uncertain significance for Breast-ovarian cancer, familial, susceptibility to, 1. Last evaluated: 2016-11-03. Review status: no assertion criteria provided. Collection method: clinical testing. Allele origin: unknown. Not counted in ClinVar's aggregate classification.

Sharing Clinical Reports Project (SCRP)
Classification: Likely benign for Breast-ovarian cancer, familial 1. Last evaluated: 2012-10-09. Review status: no assertion criteria provided. Collection method: clinical testing. Allele origin: germline. Not counted in ClinVar's aggregate classification.

Literature cited by the submitters: PubMed 40225916 (cited by Quest Diagnostics Nichols Institute San Juan Capistrano); PubMed 32438681 (cited by 4 submitters); PubMed 21120943 (cited by 5 submitters); PubMed 38709234 (cited by Quest Diagnostics Nichols Institute San Juan Capistrano); PubMed 34482403 (cited by Quest Diagnostics Nichols Institute San Juan Capistrano); PubMed 32776218 (cited by Quest Diagnostics Nichols Institute San Juan Capistrano); PubMed 31853058 (cited by Quest Diagnostics Nichols Institute San Juan Capistrano); PubMed 31131967 (cited by Quest Diagnostics Nichols Institute San Juan Capistrano); PubMed 29884841 (cited by Quest Diagnostics Nichols Institute San Juan Capistrano); PubMed 25348012 (cited by Ambry Genetics); PubMed 20104584 (cited by Counsyl).